The following is an entry in ClinVar:

ClinVar aggregate classification (germline): Benign. Review status: criteria provided, multiple submitters, no conflicts (2 of 4 stars). 3 submissions from 3 submitters: Benign (2). 1 of the submissions does not count toward it. Last evaluated 2026-02-04.

Conditions:
TCF20-related disorder. Also called: TCF20-related condition.

Allele frequency attached by ClinVar (database versions not stated): 1000 Genomes Project 30x 0.00547; gnomAD 0.01304 and 0.01338; ExAC 0.01670; 1000 Genomes Project 0.00579; TOPMed 0.01083; ESP Exome Variant Server 0.01138.
gnomAD v4.1: 27,821 of 1,614,066 alleles (1.7%); highest among the groups gnomAD compares: South Asian, 2.9%; 309 homozygotes.

Submissions (3):

Labcorp Genetics (formerly Invitae), Labcorp
Classification: Benign. Last evaluated: 2026-02-04. Review status: criteria provided, single submitter. Criteria: Invitae Variant Classification Sherloc (09022015). Collection method: clinical testing. Allele origin: germline.

Breakthrough Genomics
Classification: Benign. Review status: criteria provided, single submitter. Criteria: ACMG Guidelines, 2015. Collection method: not provided. Allele origin: germline. Inheritance: Autosomal dominant inheritance. Affected: yes.

PreventionGenetics, part of Exact Sciences
Classification: Benign for TCF20-related condition. Last evaluated: 2020-02-25. Review status: no assertion criteria provided. Collection method: clinical testing. Allele origin: germline. Not counted in ClinVar's aggregate classification.
Comment: This variant is classified as benign based on ACMG/AMP sequence variant interpretation guidelines (Richards et al. 2015 PMID: 25741868, with internal and published modifications).

NM_001378418.1(TCF20):c.519C>T (p.Ser173=)

Gene: TCF20 (transcription factor 20; minus strand). Cytogenetic location: 22q13.2.
Variant type: single nucleotide variant.
Coding change: c.519C>T on transcript NM_001378418.1 (MANE Select); coding-DNA position 519, C replaced by T.
Protein change: p.Ser173=; no amino-acid change (serine 173 retained).
Molecular consequence: synonymous variant.
Genome position (GRCh38, 1-based): chr22:42,214,787, G>A on the plus strand (C>T on the coding strand, the complement: TCF20 is on the minus strand). VCF-style: chr22-42214787-G-A. GRCh37 (hg19) VCF-style: chr22-42610793-G-A.
Other names: c.519C>T, p.Ser173= (NM_005650.4, NM_181492.3); c.519C>T (NM_005650.3).
Identifiers: ClinVar variation 1599254 (VCV001599254.11), dbSNP rs142871472, ClinGen allele CA10267342.